The following is an entry in ClinVar:

NM_000135.4(FANCA):c.3821C>G (p.Thr1274Ser)

Genes: FANCA (FA complementation group A; minus strand), ZNF276 (zinc finger protein 276; plus strand). Cytogenetic location: 16q24.3.
Variant type: single nucleotide variant.
Coding change: c.3821C>G on transcript NM_000135.4 (MANE Select); coding-DNA position 3821, C replaced by G.
Protein change: p.Thr1274Ser; replaces threonine 1274 with serine.
Molecular consequence: missense variant. On other transcripts: 3 prime UTR variant (2), non-coding transcript variant (4).
Genome position (GRCh38, 1-based): chr16:89,740,811, G>C on the plus strand (C>G on the coding strand, the complement: FANCA is on the minus strand). VCF-style: chr16-89740811-G-C. GRCh37 (hg19) VCF-style: chr16-89807219-G-C.
Other names: c.3821C>G, p.Thr1274Ser (NM_001286167.3); c.*2565G>C (NM_001113525.2, NM_152287.4); short protein forms T1274S.
Identifiers: ClinVar variation 3848165 (VCV003848165.1).
Genomic context (GRCh38, chr16:89,740,811, plus strand): 5'-CCTGCCTGGCCCACAGTGGGAGAGGACACCTTGGCTGGTAAGGTCTGACTTACATTTGAG[G>C]TCAGATGTGACGACAGCAGGCCCATCAAGGAGAAGAAGAAAAGGAAAACCAATAGCTGTA-3'
Protein context (NP_000126.2, residues 1264-1284): SLMGLLSSHL[Thr1274Ser]SNSTTDLPKA

ClinVar aggregate classification (germline): Uncertain significance (1 of 4 stars; one submission).

Conditions:
Inborn genetic diseases. Identifiers: MedGen C0950123, MeSH D030342.

Submission:

Ambry Genetics
Classification: Uncertain significance for Inborn genetic diseases. Last evaluated: 2025-01-31. Review status: criteria provided, single submitter. Criteria: Ambry Variant Classification Scheme 2023. Collection method: clinical testing. Allele origin: germline.
Comment: The p.T1274S variant (also known as c.3821C>G), located in coding exon 38 of the FANCA gene, results from a C to G substitution at nucleotide position 3821. The threonine at codon 1274 is replaced by serine, an amino acid with similar properties. This amino acid position is conserved. In addition, this alteration is predicted to be tolerated by in silico analysis. Based on the available evidence, the clinical significance of this variant remains unclear.